The following is an entry in ClinVar:

ClinVar aggregate classification (germline): Likely pathogenic. Review status: criteria provided, multiple submitters, no conflicts (2 of 4 stars). 2 submissions from 2 submitters: Likely pathogenic (2). Last evaluated 2024-02-18.

Conditions:
Werner syndrome (WRN). Identifiers: Orphanet 902, MedGen C0043119, MONDO:0010196, OMIM 277700.

Submissions (2):

Baylor Genetics
Classification: Likely pathogenic for Werner syndrome. Last evaluated: 2024-02-18. Review status: criteria provided, single submitter. Criteria: ACMG Guidelines, 2015. Collection method: clinical testing. Allele origin: unknown.

Labcorp Genetics (formerly Invitae), Labcorp
Classification: Likely pathogenic for Werner syndrome. Last evaluated: 2020-02-14. Review status: criteria provided, single submitter. Criteria: Invitae Variant Classification Sherloc (09022015). Collection method: clinical testing. Allele origin: germline.
Comment: This sequence change affects a donor splice site in intron 12 of the WRN gene. It is expected to disrupt RNA splicing and likely results in an absent or disrupted protein product. This variant is not present in population databases (ExAC no frequency). This variant has not been reported in the literature in individuals with WRN-related conditions. Donor and acceptor splice site variants typically lead to a loss of protein function (PMID: 16199547), and loss-of-function variants in WRN are known to be pathogenic (PMID: 16673358). In summary, the currently available evidence indicates that the variant is pathogenic, but additional data are needed to prove that conclusively. Therefore, this variant has been classified as Likely Pathogenic.

Literature cited by the submitters: PubMed 16199547 (cited by Labcorp Genetics (formerly Invitae), Labcorp); PubMed 16673358 (cited by Labcorp Genetics (formerly Invitae), Labcorp).

NM_000553.6(WRN):c.1576+1dup

Gene: WRN (WRN RecQ like helicase; plus strand). Cytogenetic location: 8p12.
Variant type: Duplication.
Coding change: c.1576+1dup on transcript NM_000553.6 (MANE Select); the canonical splice donor site of the intron after coding-DNA position 1576, one base duplicated (G; older notation c.1576+1dupG).
Molecular consequence: splice donor variant.
Genome position (GRCh38, 1-based): chr8:31,087,921, G duplicated; the last of 3 consecutive G bases (chr8:31,087,919-31,087,921); duplicating any one gives the same sequence. VCF-style (leftmost placement, unchanged base first): chr8-31087918-A-AG. GRCh37 (hg19) VCF-style: chr8-30945434-A-AG.
Identifiers: ClinVar variation 1066480 (VCV001066480.6), dbSNP rs2130157703, ClinGen allele CA2499219238.